The following is an entry in ClinVar:

ClinVar aggregate classification (germline): Likely pathogenic (1 of 4 stars; one submission).

Submission:

Labcorp Genetics (formerly Invitae), Labcorp
Classification: Likely pathogenic. Last evaluated: 2022-05-16. Review status: criteria provided, single submitter. Criteria: Invitae Variant Classification Sherloc (09022015). Collection method: clinical testing. Allele origin: germline.
Comment: This sequence change affects an acceptor splice site in intron 18 of the RTTN gene. It is expected to disrupt RNA splicing. Variants that disrupt the donor or acceptor splice site typically lead to a loss of protein function (PMID: 16199547), and loss-of-function variants in RTTN are known to be pathogenic (PMID: 26608784, 26846091). The frequency data for this variant in the population databases is considered unreliable, as metrics indicate poor data quality at this position in the gnomAD database. This variant has not been reported in the literature in individuals affected with RTTN-related conditions. Algorithms developed to predict the effect of sequence changes on RNA splicing suggest that this variant may disrupt the consensus splice site. In summary, the currently available evidence indicates that the variant is pathogenic, but additional data are needed to prove that conclusively. Therefore, this variant has been classified as Likely Pathogenic.

Literature cited by the submitters: PubMed 16199547; PubMed 26608784; PubMed 26846091.

NM_173630.4(RTTN):c.2482-1G>T

Gene: RTTN (rotatin; minus strand). Cytogenetic location: 18q22.2.
Variant type: single nucleotide variant.
Coding change: c.2482-1G>T on transcript NM_173630.4 (MANE Select); the canonical splice acceptor site of the intron before coding-DNA position 2482, G replaced by T.
Molecular consequence: splice acceptor variant.
Genome position (GRCh38, 1-based): chr18:70,142,388, C>A on the plus strand (G>T on the coding strand, the complement: RTTN is on the minus strand). VCF-style: chr18-70142388-C-A. GRCh37 (hg19) VCF-style: chr18-67809624-C-A.
Other names: c.-166-1G>T (NM_001318520.2).
Identifiers: ClinVar variation 2103126 (VCV002103126.4), dbSNP rs1458030656, ClinGen allele CA402692402.